The following is an entry in ClinVar:

ClinVar aggregate classification (germline): Conflicting classifications of pathogenicity. Review status: criteria provided, conflicting classifications (1 of 4 stars). 4 submissions from 4 submitters: Uncertain significance (2); Likely benign (1). 1 of the submissions does not count toward it. Last evaluated 2024-10-24.

Conditions:
SYNE1-related disorder. Also called: SYNE1-related disease; SYNE1-related condition; SYNE1-related disorders.
Emery-Dreifuss muscular dystrophy 4, autosomal dominant (EDMD4). Also called: EMERY-DREIFUSS MUSCULAR DYSTROPHY 4 WITH VARIABLE FEATURES. Identifiers: Orphanet 261, MedGen C2751807, MONDO:0013071, OMIM 612998.
Autosomal recessive ataxia, Beauce type. Also called: SYNE1 Deficiency; SYNE1-Related Autosomal Recessive Cerebellar Ataxia; ATAXIA, RECESSIVE, OF BEAUCE; Spinocerebellar ataxia, autosomal recessive 8. Identifiers: Orphanet 88644, MedGen C1853116, MONDO:0012549, OMIM 610743.

Allele frequency attached by ClinVar (database versions not stated): ExAC 0.00003; gnomAD exomes 0.00003; TOPMed 0.00006; gnomAD 0.00009.
gnomAD v4.1: 146 of 1,613,868 alleles (0.009%); highest among the groups gnomAD compares: Non-Finnish European, 0.011%; no homozygotes.

Submissions (4):

Labcorp Genetics (formerly Invitae), Labcorp
Classification: Likely benign for Emery-Dreifuss muscular dystrophy 4, autosomal dominant; Autosomal recessive ataxia, Beauce type. Last evaluated: 2024-10-24. Review status: criteria provided, single submitter. Criteria: Invitae Variant Classification Sherloc (09022015). Collection method: clinical testing. Allele origin: germline.

CeGaT Center for Human Genetics Tuebingen
Classification: Uncertain significance. Last evaluated: 2022-12-01. Review status: criteria provided, single submitter. Criteria: CeGaT Center For Human Genetics Tuebingen Variant Classification Criteria Version 2. Collection method: clinical testing. Allele origin: germline. Affected: yes. Observed: 1 variant allele.
Comment: SYNE1: PM2, BP4, BP7

Eurofins Ntd Llc (ga)
Classification: Uncertain significance. Last evaluated: 2016-03-03. Review status: criteria provided, single submitter. Criteria: EGL Classification Definitions 2015. Collection method: clinical testing. Allele origin: germline. Observed: 1 variant allele, 1 heterozygote.

PreventionGenetics, part of Exact Sciences
Classification: Likely benign for SYNE1-related condition. Last evaluated: 2019-03-05. Review status: no assertion criteria provided. Collection method: clinical testing. Allele origin: germline. Not counted in ClinVar's aggregate classification.
Comment: This variant is classified as likely benign based on ACMG/AMP sequence variant interpretation guidelines (Richards et al. 2015 PMID: 25741868, with internal and published modifications).

NM_182961.4(SYNE1):c.2427G>A (p.Glu809=)

Gene: SYNE1 (spectrin repeat containing nuclear envelope protein 1; minus strand). Cytogenetic location: 6q25.2.
Variant type: single nucleotide variant.
Coding change: c.2427G>A on transcript NM_182961.4 (MANE Select); coding-DNA position 2427, G replaced by A.
Protein change: p.Glu809=; no amino-acid change (glutamic acid 809 retained).
Molecular consequence: synonymous variant.
Genome position (GRCh38, 1-based): chr6:152,458,898, C>T on the plus strand (G>A on the coding strand, the complement: SYNE1 is on the minus strand). VCF-style: chr6-152458898-C-T. GRCh37 (hg19) VCF-style: chr6-152780033-C-T.
Other names: c.2448G>A (NM_033071.3); c.2448G>A, p.Glu816= (NM_033071.5).
Identifiers: ClinVar variation 286315 (VCV000286315.42), dbSNP rs749509412, ClinGen allele CA4059137.